The following is an entry in ClinVar:

ClinVar aggregate classification (germline): Pathogenic. Review status: criteria provided, multiple submitters, no conflicts (2 of 4 stars). 4 submissions from 4 submitters: Pathogenic (3). 1 of the submissions does not count toward it. Last evaluated 2024-10-01.

Conditions:
Hereditary factor VIII deficiency disease (HEMA). Also called: HEMOPHILIA, CLASSIC; AUTOSOMAL HEMOPHILIA A; Hemophilia A; Hemophilia A, congenital; HEM A; Factor 8 deficiency, congenital. Identifiers: Orphanet 98878, MedGen C0019069, MONDO:0010602, OMIM 306700.

Submissions (4):

GeneDx
Classification: Pathogenic. Last evaluated: 2024-10-01. Review status: criteria provided, single submitter. Criteria: GeneDx Variant Classification Process June 2021. Collection method: clinical testing. Allele origin: germline. Affected: yes.
Comment: Nonsense variant predicted to result in protein truncation or nonsense mediated decay in a gene for which loss of function is a known mechanism of disease; Not observed at significant frequency in large population cohorts (gnomAD); This variant is associated with the following publications: (PMID: 20838461, 20331753, 25525159, 29381227, 35924581, 36595620, 33245802, 33706050, 32897612, 18388498, 12325022, 38196513, 30534853, 16128892, 15996930, 37711502, 8054459, 18691168, 11748850, 10338101, 16601827, 16493501, 8490618, 8307558, 1412186, 35014236)

Myriad Genetics, Inc.
Classification: Pathogenic for Hereditary factor VIII deficiency disease. Last evaluated: 2024-07-17. Review status: criteria provided, single submitter. Criteria: Myriad Autosomal Dominant, Autosomal Recessive and X-Linked Classification Criteria (2023). Collection method: clinical testing. Allele origin: unknown.
Comment: NM_000132.3(F8):c.5953C>T(R1985*) is expected to be pathogenic in the context of hemophilia A. This variant is predicted to lead to an abnormal or absent protein product due to the creation of a premature termination codon in F8, a gene where loss-of-function variants are known to be pathogenic. Please note: this variant was assessed in the context of healthy population screening.

ARUP Laboratories, Molecular Genetics and Genomics, ARUP Laboratories
Classification: Pathogenic for Hereditary factor VIII deficiency disease. Last evaluated: 2019-04-18. Review status: criteria provided, single submitter. Criteria: ARUP Molecular Germline Variant Investigation Process. Collection method: clinical testing. Allele origin: germline.
Comment: The F8 c.5953C>T; p.Arg1985Ter variant (rs137852452), also known as p.Arg1966Ter in traditional nomenclature, is reported in the literature in multiple individuals affected with severe hemophilia A (see link to Factor VIII database and references therein, Lu 2018, Wang 2010). This variant is reported in ClinVar (Variation ID: 10300), and is absent from general population databases (Exome Variant Server, Genome Aggregation Database), indicating it is not a common polymorphism. This variant induces an early termination codon and is predicted to result in a truncated protein or mRNA subject to nonsense-mediated decay. Based on available information, this variant is considered to be pathogenic. References: Link to Factor VIII Database for p.Arg1985Ter: Lu Y et al. Spectrum and origin of mutations in sporadic cases of haemophilia A in China. Haemophilia. 2018 Mar;24(2):291-298. Wang XF et al. The prevalence of factor VIII inhibitors and genetic aspects of inhibitor development in Chinese patients with haemophilia A. Haemophilia. 2010 Jul 1;16(4):632-9.

OMIM
Classification: Pathogenic for HEMOPHILIA A. Last evaluated: 1994-04-01. Review status: no assertion criteria provided. Collection method: literature only. Allele origin: germline. Not counted in ClinVar's aggregate classification.

Literature cited by the submitters: PubMed 1349567 (cited by OMIM); PubMed 8307558 (cited by OMIM); PubMed 8281136 (cited by OMIM); PubMed 8485051 (cited by OMIM); PubMed 8054459 (cited by OMIM).

NM_000132.4(F8):c.5953C>T (p.Arg1985Ter)

Gene: F8 (coagulation factor VIII; minus strand). Cytogenetic location: Xq28.
Variant type: single nucleotide variant.
Coding change: c.5953C>T on transcript NM_000132.4 (MANE Select); coding-DNA position 5953, C replaced by T.
Protein change: p.Arg1985Ter; replaces arginine 1985 with a stop codon.
Molecular consequence: nonsense.
Genome position (GRCh38, 1-based): chrX:154,903,951, G>A on the plus strand (C>T on the coding strand, the complement: F8 is on the minus strand). VCF-style: chrX-154903951-G-A. GRCh37 (hg19) VCF-style: chrX-154132226-G-A.
Other names: F8, ARG1966TER; R1966*; c.5953C>T (NM_000132.3); short protein forms R1985*.
Identifiers: ClinVar variation 10300 (VCV000010300.11), dbSNP rs137852452, ClinGen allele CA255191.